The following is an entry in ClinVar:

ClinVar aggregate classification (germline): Pathogenic (1 of 4 stars; one submission).

Conditions:
Renal cysts and diabetes syndrome (RCAD). Also called: Familial hypoplastic, glomerulocystic kidney; MATURITY-ONSET DIABETES OF THE YOUNG, TYPE 5. Identifiers: Orphanet 93111, MedGen C0431693, MONDO:0007669, OMIM 137920.

Submission:

Institute of Human Genetics, FAU Erlangen, Friedrich-Alexander-Universität Erlangen-Nürnberg
Classification: Pathogenic for Renal cysts and diabetes syndrome. Last evaluated: 2019-07-06. Review status: criteria provided, single submitter. Criteria: ACMG Guidelines, 2015. Collection method: literature only. Allele origin: germline. Affected: yes.
Comment: This variant and it's classification has been reported by Vasileiou et al. 2019; DOI:10.1101/576918. The variants has previously been reported in PMID:25700310; PMID:15930087; PMID:25536396; PMID:15168014 as "c.281_284dupAGCT; c.281_284dupAGCT; L95fsinsAGCT (insertion of AGCT at the codon 95 for Leu)" with clinical significance Pathogenic. It has been re-classified using InterVar and manual curation as Pathogenic based on PVS1 PM2 PP3.

Literature cited by the submitters: PubMed 25700310; PubMed 15930087; PubMed 25536396; PubMed 15168014; DOI 10.1101/576918.

NM_000458.4(HNF1B):c.281_284dup (p.Gln96fs)

Gene: HNF1B (HNF1 homeobox B; minus strand). Cytogenetic location: 17q12.
Variant type: Duplication.
Coding change: c.281_284dup on transcript NM_000458.4 (MANE Select); coding-DNA positions 281 to 284, 4 bases duplicated (AGCT; older notation c.281_284dupAGCT).
Protein change: p.Gln96fs; shifts the reading frame from glutamine 96.
Molecular consequence: frameshift variant.
Genome position (GRCh38, 1-based): chr17:37,744,601-37,744,604, AGCT duplicated on the plus strand (AGCT on the coding strand, the reverse complement: HNF1B is on the minus strand). VCF-style (leftmost placement, unchanged base first): chr17-37744600-C-CAGCT. GRCh37 (hg19) VCF-style: chr17-36104591-C-CAGCT.
Other names: c.281_284dup, p.Gln96fs (NM_001165923.4, NM_001304286.2); short protein forms Q96fs.
Identifiers: ClinVar variation 635719 (VCV000635719.1), dbSNP rs2511850184, ClinGen allele CA913190800.